The following is an entry in ClinVar:

NM_020778.5(ALPK3):c.4898C>G (p.Pro1633Arg)

Gene: ALPK3 (alpha kinase 3; plus strand). Cytogenetic location: 15q25.3.
Variant type: single nucleotide variant.
Coding change: c.4898C>G on transcript NM_020778.5 (MANE Select); coding-DNA position 4898, C replaced by G.
Protein change: p.Pro1633Arg; replaces proline 1633 with arginine.
Molecular consequence: missense variant.
Genome position (GRCh38, 1-based): chr15:84,868,236, C>G. VCF-style: chr15-84868236-C-G. GRCh37 (hg19) VCF-style: chr15-85411467-C-G.
Other names: short protein forms P1633R.
Identifiers: ClinVar variation 1747996 (VCV001747996.3), dbSNP rs758728538, ClinGen allele CA393365810.

ClinVar aggregate classification (germline): Uncertain significance (1 of 4 stars; one submission).

Conditions:
Cardiovascular phenotype. Identifiers: MedGen CN230736.

Submission:

Ambry Genetics
Classification: Uncertain significance for Cardiovascular phenotype. Last evaluated: 2025-08-12. Review status: criteria provided, single submitter. Criteria: Ambry Variant Classification Scheme 2023. Collection method: clinical testing. Allele origin: germline.
Comment: The p.P1835R variant (also known as c.5504C>G), located in coding exon 14 of the ALPK3 gene, results from a C to G substitution at nucleotide position 5504. The proline at codon 1835 is replaced by arginine, an amino acid with dissimilar properties. This amino acid position is conserved. In addition, this alteration is predicted to be tolerated by in silico analysis. Since supporting evidence is limited at this time, the clinical significance of this alteration remains unclear.